The following is an entry in ClinVar:

NM_003151.4(STAT4):c.2204CAA[1] (p.Thr736del)

Genes: STAT4 (signal transducer and activator of transcription 4; minus strand), STAT4-AS1 (STAT4 antisense RNA 1; plus strand). Cytogenetic location: 2q32.2.
Variant type: Microsatellite.
Coding change: c.2204CAA[1] on transcript NM_003151.4 (MANE Select); one copy of the 3-base unit CAA starting at c.2204; the reference has two copies in a row; one copy, 3 bases deleted.
Protein change: p.Thr736del; deletes threonine 736.
Molecular consequence: inframe deletion. On other transcripts: non-coding transcript variant (1).
Genome position (GRCh38, 1-based): chr2:191,030,983-191,030,985, TTG deleted on the plus strand (CAA on the coding strand, the reverse complement: STAT4 is on the minus strand); deleting any 3 consecutive bases within chr2:191,030,983-191,030,989 gives the same sequence; the position shown is the placement nearest the transcript's 3' end. VCF-style (leftmost placement, unchanged base first): chr2-191030982-ATTG-A. GRCh37 (hg19) VCF-style: chr2-191895708-ATTG-A.
Other names: c.2204CAA[1], p.Thr736del (NM_001243835.2); short protein forms T736del.
Identifiers: ClinVar variation 2091853 (VCV002091853.4), dbSNP rs776683947, ClinGen allele CA2030378.
Genomic context (GRCh38, chr2:191,030,982, plus strand): 5'-GCATCGTTGGAAACACCTTTGACCAGCAATGGAAAATAAAGGGAACATACTGCAGTTTCA[ATTG>A]TTGTGGGACTCAGGTTTTCTCTCAACACCGCATACACACTTGGAGACATGGGAAGAAGGT-3'

ClinVar aggregate classification (germline): Uncertain significance (1 of 4 stars; one submission).

Submission:

Labcorp Genetics (formerly Invitae), Labcorp
Classification: Uncertain significance. Last evaluated: 2022-10-24. Review status: criteria provided, single submitter. Criteria: Invitae Variant Classification Sherloc (09022015). Collection method: clinical testing. Allele origin: germline.
Comment: In summary, the available evidence is currently insufficient to determine the role of this variant in disease. Therefore, it has been classified as a Variant of Uncertain Significance. This variant, c.2207_2209del, results in the deletion of 1 amino acid(s) of the STAT4 protein (p.Thr736del), but otherwise preserves the integrity of the reading frame. Experimental studies and prediction algorithms are not available or were not evaluated, and the functional significance of this variant is currently unknown. This variant has not been reported in the literature in individuals affected with STAT4-related conditions. This variant is present in population databases (rs776683947, gnomAD 0.003%).